The following is an entry in ClinVar:

ClinVar aggregate classification (germline): Likely benign (1 of 4 stars; one submission).

gnomAD v4.1: 469 of 1,614,188 alleles (0.029%); highest among the groups gnomAD compares: Non-Finnish European, 0.028%; 1 homozygote.

Submission:

CeGaT Center for Human Genetics Tuebingen
Classification: Likely benign. Last evaluated: 2026-09-01. Review status: criteria provided, single submitter. Criteria: CeGaT Center For Human Genetics Tuebingen Variant Classification Criteria Version 2. Collection method: clinical testing. Allele origin: germline. Affected: yes. Observed: 2 variant alleles.
Comment: STX1A: BP4, BP7

NM_004603.4(STX1A):c.171G>A (p.Lys57=)

Gene: STX1A (syntaxin 1A; minus strand). Cytogenetic location: 7q11.23.
Variant type: single nucleotide variant.
Coding change: c.171G>A on transcript NM_004603.4 (MANE Select); coding-DNA position 171, G replaced by A.
Protein change: p.Lys57=; no amino-acid change (lysine 57 retained).
Molecular consequence: synonymous variant.
Genome position (GRCh38, 1-based): chr7:73,708,626, C>T on the plus strand (G>A on the coding strand, the complement: STX1A is on the minus strand). VCF-style: chr7-73708626-C-T. GRCh37 (hg19) VCF-style: chr7-73122956-C-T.
Other names: c.171G>A, p.Lys57= (NM_001165903.2).
Identifiers: ClinVar variation 3771342 (VCV003771342.13).